The following is an entry in ClinVar:

NM_003126.4(SPTA1):c.3275G>A (p.Gly1092Glu)

Gene: SPTA1 (spectrin alpha, erythrocytic 1; minus strand). Cytogenetic location: 1q23.1.
Variant type: single nucleotide variant.
Coding change: c.3275G>A on transcript NM_003126.4 (MANE Select); coding-DNA position 3275, G replaced by A.
Protein change: p.Gly1092Glu; replaces glycine 1092 with glutamic acid.
Molecular consequence: missense variant.
Genome position (GRCh38, 1-based): chr1:158,652,567, C>T on the plus strand (G>A on the coding strand, the complement: SPTA1 is on the minus strand). VCF-style: chr1-158652567-C-T. GRCh37 (hg19) VCF-style: chr1-158622357-C-T.
Other names: short protein forms G1092E.
Identifiers: ClinVar variation 4080204 (VCV004080204.2).

ClinVar aggregate classification (germline): Uncertain significance. Review status: criteria provided, multiple submitters, no conflicts (2 of 4 stars). 2 submissions from 2 submitters: Uncertain significance (2). Last evaluated 2025-10-15.

gnomAD v4.1: 39 of 1,614,018 alleles (0.0024%); highest among the groups gnomAD compares: East Asian, 0.0089%; no homozygotes.

Submissions (2):

Labcorp Genetics (formerly Invitae), Labcorp
Classification: Uncertain significance. Last evaluated: 2025-10-15. Review status: criteria provided, single submitter. Criteria: Invitae Variant Classification Sherloc (09022015). Collection method: clinical testing. Allele origin: germline.
Comment: This sequence change replaces glycine, which is neutral and non-polar, with glutamic acid, which is acidic and polar, at codon 1092 of the SPTA1 protein (p.Gly1092Glu). This variant is present in population databases (no rsID available, gnomAD 0.0009%). This variant has not been reported in the literature in individuals affected with SPTA1-related conditions. ClinVar contains an entry for this variant (Variation ID: 4080204). Invitae Evidence Modeling of protein sequence and biophysical properties (such as structural, functional, and spatial information, amino acid conservation, physicochemical variation, residue mobility, and thermodynamic stability) indicates that this missense variant is not expected to disrupt SPTA1 protein function with a negative predictive value of 80%. In summary, the available evidence is currently insufficient to determine the role of this variant in disease. Therefore, it has been classified as a Variant of Uncertain Significance.

Revvity Omics, Revvity
Classification: Uncertain significance. Last evaluated: 2024-10-24. Review status: criteria provided, single submitter. Criteria: ACMG Guidelines, 2015. Collection method: clinical testing. Allele origin: germline.